The following is an entry in ClinVar:

ClinVar aggregate classification (germline): Uncertain significance. Review status: criteria provided, multiple submitters, no conflicts (2 of 4 stars). 2 submissions from 2 submitters: Uncertain significance (2). Last evaluated 2022-05-30.

Conditions:
Hereditary motor and sensory neuropathy, Okinawa type (HMSNO). Also called: HEREDITARY MOTOR AND SENSORY NEUROPATHY, PROXIMAL TYPE. Identifiers: Orphanet 90117, MedGen C1858338, MONDO:0011468, OMIM 604484.
Hereditary spastic paraplegia 57. Also called: Spastic paraplegia 57, autosomal recessive. Identifiers: Orphanet 431329, MedGen C3714897, MONDO:0014295, OMIM 615658.

Allele frequency attached by ClinVar (database versions not stated): gnomAD exomes below 0.00001.
gnomAD v4.1: 1 of 1,610,446 alleles (0.000062%); highest among the groups gnomAD compares: Non-Finnish European, 0.000085%; no homozygotes.

Submissions (2):

Labcorp Genetics (formerly Invitae), Labcorp
Classification: Uncertain significance for Hereditary motor and sensory neuropathy, Okinawa type; Hereditary spastic paraplegia 57. Last evaluated: 2022-05-30. Review status: criteria provided, single submitter. Criteria: Invitae Variant Classification Sherloc (09022015). Collection method: clinical testing. Allele origin: germline.
Comment: In summary, the available evidence is currently insufficient to determine the role of this variant in disease. Therefore, it has been classified as a Variant of Uncertain Significance. Algorithms developed to predict the effect of missense changes on protein structure and function (SIFT, PolyPhen-2, Align-GVGD) all suggest that this variant is likely to be disruptive. ClinVar contains an entry for this variant (Variation ID: 624218). This variant has not been reported in the literature in individuals affected with TFG-related conditions. This variant is not present in population databases (gnomAD no frequency). This sequence change replaces isoleucine, which is neutral and non-polar, with valine, which is neutral and non-polar, at codon 13 of the TFG protein (p.Ile13Val).

CeGaT Center for Human Genetics Tuebingen
Classification: Uncertain significance. Last evaluated: 2018-08-01. Review status: criteria provided, single submitter. Criteria: CeGaT Center For Human Genetics Tuebingen Variant Classification Criteria Version 2. Collection method: clinical testing. Allele origin: germline. Affected: yes. Observed: 2 variant alleles.

NM_006070.6(TFG):c.37A>G (p.Ile13Val)

Gene: TFG (trafficking from ER to golgi regulator; plus strand). Cytogenetic location: 3q12.2.
Variant type: single nucleotide variant.
Coding change: c.37A>G on transcript NM_006070.6 (MANE Select); coding-DNA position 37, A replaced by G.
Protein change: p.Ile13Val; replaces isoleucine 13 with valine.
Molecular consequence: missense variant.
Genome position (GRCh38, 1-based): chr3:100,713,722, A>G. VCF-style: chr3-100713722-A-G. GRCh37 (hg19) VCF-style: chr3-100432566-A-G.
Other names: c.37A>G, p.Ile13Val (NM_001007565.2, NM_001195478.2, NM_001195479.2); short protein forms I13V.
Identifiers: ClinVar variation 624218 (VCV000624218.47), dbSNP rs200695895, ClinGen allele CA79694272.